The following is an entry in ClinVar:

ClinVar aggregate classification (germline): Uncertain significance (1 of 4 stars; one submission).

gnomAD v4.1: 29 of 1,613,888 alleles (0.0018%); highest among the groups gnomAD compares: Non-Finnish European, 0.0023%; no homozygotes.

Submission:

CeGaT Center for Human Genetics Tuebingen
Classification: Uncertain significance. Last evaluated: 2025-12-01. Review status: criteria provided, single submitter. Criteria: CeGaT Center For Human Genetics Tuebingen Variant Classification Criteria Version 2. Collection method: clinical testing. Allele origin: germline. Affected: yes. Observed: 1 variant allele.
Comment: TRPC6: PS4:Moderate, PM2:Supporting, BP4, BP5

NM_004621.6(TRPC6):c.2345A>T (p.Lys782Ile)

Gene: TRPC6 (transient receptor potential cation channel subfamily C member 6; minus strand). Cytogenetic location: 11q22.1.
Variant type: single nucleotide variant.
Coding change: c.2345A>T on transcript NM_004621.6 (MANE Select); coding-DNA position 2345, A replaced by T.
Protein change: p.Lys782Ile; replaces lysine 782 with isoleucine.
Molecular consequence: missense variant.
Genome position (GRCh38, 1-based): chr11:101,471,247, T>A on the plus strand (A>T on the coding strand, the complement: TRPC6 is on the minus strand). VCF-style: chr11-101471247-T-A. GRCh37 (hg19) VCF-style: chr11-101341978-T-A.
Other names: c.1997A>T, p.Lys666Ile (NM_001439335.1); short protein forms K666I, K782I.
Identifiers: ClinVar variation 4681726 (VCV004681726.5).